The following is an entry in ClinVar:

NM_000492.4(CFTR):c.57G>T (p.Trp19Cys)

Gene: CFTR (CF transmembrane conductance regulator; plus strand). Cytogenetic location: 7q31.2.
Variant type: single nucleotide variant.
Coding change: c.57G>T on transcript NM_000492.4 (MANE Select); coding-DNA position 57, G replaced by T.
Protein change: p.Trp19Cys; replaces tryptophan 19 with cysteine.
Molecular consequence: missense variant.
Genome position (GRCh38, 1-based): chr7:117,504,256, G>T. VCF-style: chr7-117504256-G-T. GRCh37 (hg19) VCF-style: chr7-117144310-G-T.
Other names: short protein forms W19C.
Identifiers: ClinVar variation 54013 (VCV000054013.2), dbSNP rs397508762, ClinGen allele CA327582.
Genomic context (GRCh38, chr7:117,504,256, plus strand): 5'-CAAATCTGTATGGAGACCAAATCAAGTGAATATCTGTTCCTCCTCTCTTTATTTTAGCTG[G>T]ACCAGACCAATTTTGAGGAAAGGATACAGACAGCGCCTGGAATTGTCAGACATATACCAA-3'
Protein context (NP_000483.3, residues 9-29): ASVVSKLFFS[Trp19Cys]TRPILRKGYR

ClinVar aggregate classification (germline): Likely pathogenic. Review status: criteria provided, single submitter (1 of 4 stars). 2 submissions from 2 submitters: Likely pathogenic (1). 1 of the submissions does not count toward it. Last evaluated 2020-02-10.

Conditions:
Cystic fibrosis (CF). Also called: MUCOVISCIDOSIS. Identifiers: Orphanet 586, MedGen C0010674, MONDO:0009061, OMIM 219700. Disease mechanism: loss of function.

Allele frequency attached by ClinVar (database versions not stated): gnomAD exomes below 0.00001.
gnomAD v4.1: 1 of 1,594,612 alleles (0.000063%); highest among the groups gnomAD compares: South Asian, 0.0011%; no homozygotes.

Submissions (2):

Johns Hopkins Genomics, Johns Hopkins University
Classification: Likely pathogenic for Cystic fibrosis. Last evaluated: 2020-02-10. Review status: criteria provided, single submitter. Criteria: ACMG Guidelines, 2015. Collection method: clinical testing. Allele origin: germline.
Comment: It is absent from a large population dataset and although it is present in ClinVar, no classification is provided. Three bioinformatics tools predict that this subsitution would probably be damaging and tryptophan at this position is evolutionarily conserved among the species assessed. One study indicates that p.Try19Cys affects the glycosylation of CFTR. This suggests that this substitution may be functionally signficant, however this study has not been replicated to our knowledge. We consider c.57G>T to be likely pathogenic.

ClinVar Staff, National Center for Biotechnology Information (NCBI)
No classification provided. Condition: CFTR-related disorders. Review status: no classification provided. Collection method: literature only. Allele origin: germline. Affected: yes. Not counted in ClinVar's aggregate classification.

Literature cited by the submitters: PubMed 17235394 (cited by Johns Hopkins Genomics, Johns Hopkins University); PubMed 20351098 (cited by Johns Hopkins Genomics, Johns Hopkins University); PubMed 9150159 (cited by Johns Hopkins Genomics, Johns Hopkins University and ClinVar Staff, National Center for Biotechnology Information (NCBI)).